The following is an entry in ClinVar:

NM_001146227.3(RPS20):c.*1C>A

Gene: RPS20 (ribosomal protein S20; minus strand). Cytogenetic location: 8q12.1.
Variant type: single nucleotide variant.
Coding change: c.*1C>A on transcript NM_001146227.3; 1 bases downstream of the stop codon, C replaced by A.
Molecular consequence: 3 prime UTR variant.
Genome position (GRCh38, 1-based): chr8:56,069,737, G>T on the plus strand (C>A on the coding strand, the complement: RPS20 is on the minus strand). VCF-style: chr8-56069737-G-T. GRCh37 (hg19) VCF-style: chr8-56982296-G-T.
Identifiers: ClinVar variation 5042338 (VCV005042338.1).

ClinVar aggregate classification (germline): Benign (1 of 4 stars; one submission).

Conditions:
Familial colorectal cancer type X. Identifiers: Orphanet 440437, MedGen C3896578, MONDO:0018604.

gnomAD v4.1: 2 of 1,551,578 alleles (0.00013%); highest among the groups gnomAD compares: Admixed American, 0.002%; no homozygotes.

Submission:

Myriad Genetics, Inc.
Classification: Benign for Familial colorectal cancer type X. Last evaluated: 2026-08-05. Review status: criteria provided, single submitter. Criteria: Myriad Autosomal Dominant, Autosomal Recessive and X-Linked Classification Criteria (2023). Collection method: clinical testing. Allele origin: unknown.
Comment: This variant is considered benign. This variant occurs in the non-coding 3' untranslated region of the gene, and is not expected to impact protein function.